The following is an entry in ClinVar:

NM_018979.4(WNK1):c.6406A>G (p.Ser2136Gly)

Gene: WNK1 (WNK lysine deficient protein kinase 1; plus strand). Cytogenetic location: 12p13.33.
Variant type: single nucleotide variant.
Coding change: c.6406A>G on transcript NM_018979.4 (MANE Select); coding-DNA position 6406, A replaced by G.
Protein change: p.Ser2136Gly; replaces serine 2136 with glycine.
Molecular consequence: missense variant.
Genome position (GRCh38, 1-based): chr12:897,639, A>G. VCF-style: chr12-897639-A-G. GRCh37 (hg19) VCF-style: chr12-1006805-A-G.
Other names: c.7186A>G, p.Ser2396Gly (NM_001184985.2); c.5662A>G, p.Ser1888Gly (NM_014823.3); c.7162A>G, p.Ser2388Gly (NM_213655.5); short protein forms S1888G, S2388G, S2396G, S2136G.
Identifiers: ClinVar variation 1757446 (VCV001757446.9), dbSNP rs775024404, ClinGen allele CA6383394.

ClinVar aggregate classification (germline): Uncertain significance. Review status: criteria provided, multiple submitters, no conflicts (2 of 4 stars). 3 submissions from 3 submitters: Uncertain significance (3). Last evaluated 2022-07-14.

Conditions:
Inborn genetic diseases. Identifiers: MedGen C0950123, MeSH D030342.
Neuropathy, hereditary sensory and autonomic, type 2A (HSAN2A). Also called: ACROOSTEOLYSIS, GIACCAI TYPE; ACROOSTEOLYSIS, NEUROGENIC; MORVAN DISEASE; NEUROPATHY, CONGENITAL SENSORY; NEUROPATHY, HEREDITARY SENSORY RADICULAR, AUTOSOMAL RECESSIVE; NEUROPATHY, HEREDITARY SENSORY, TYPE IIA. Identifiers: Orphanet 970, MedGen C2752089, MONDO:0024309, OMIM 201300.
Pseudohypoaldosteronism type 2C (PHA2C). Also called: Pseudohypoaldosteronism Type IIC. Identifiers: Orphanet 757, Orphanet 88940, MedGen C1840391, MONDO:0013778, OMIM 614492.

Allele frequency attached by ClinVar (database versions not stated): gnomAD 0.00001; gnomAD exomes 0.00001; ExAC 0.00002.

Submissions (3):

Labcorp Genetics (formerly Invitae), Labcorp
Classification: Uncertain significance for Neuropathy, hereditary sensory and autonomic, type 2A; Pseudohypoaldosteronism type 2C. Last evaluated: 2022-07-14. Review status: criteria provided, single submitter. Criteria: Invitae Variant Classification Sherloc (09022015). Collection method: clinical testing. Allele origin: germline.
Comment: In summary, the available evidence is currently insufficient to determine the role of this variant in disease. Therefore, it has been classified as a Variant of Uncertain Significance. Advanced modeling of protein sequence and biophysical properties (such as structural, functional, and spatial information, amino acid conservation, physicochemical variation, residue mobility, and thermodynamic stability) performed at Invitae indicates that this missense variant is not expected to disrupt WNK1 protein function. This variant has not been reported in the literature in individuals affected with WNK1-related conditions. This variant is present in population databases (rs775024404, gnomAD 0.01%). This sequence change replaces serine, which is neutral and polar, with glycine, which is neutral and non-polar, at codon 2388 of the WNK1 protein (p.Ser2388Gly).

Ambry Genetics
Classification: Uncertain significance for Inborn genetic diseases. Last evaluated: 2021-04-29. Review status: criteria provided, single submitter. Criteria: Ambry Variant Classification Scheme 2023. Collection method: clinical testing. Allele origin: germline.
Comment: The p.S2388G variant (also known as c.7162A>G), located in coding exon 25 of the WNK1 gene, results from an A to G substitution at nucleotide position 7162. The serine at codon 2388 is replaced by glycine, an amino acid with similar properties. This amino acid position is well conserved in available vertebrate species. In addition, the in silico prediction for this alteration is inconclusive. Since supporting evidence is limited at this time, the clinical significance of this alteration remains unclear.

Juno Genomics, Hangzhou Juno Genomics, Inc
Classification: Uncertain significance for Neuropathy, hereditary sensory and autonomic, type 2A; Pseudohypoaldosteronism type 2C. Review status: criteria provided, single submitter. Criteria: ACMG Guidelines, 2015. Collection method: clinical testing. Allele origin: germline.
Comment: Absent from controls (or at extremely low frequency if recessive) in Genome Aggregation Database.;Missense variant in a gene that has a low rate of benign missense variation.